The following is an entry in ClinVar:

NM_001032283.3(TMPO):c.565+1728G>C

Gene: TMPO (thymopoietin; plus strand). Cytogenetic location: 12q23.1.
Variant type: single nucleotide variant.
Coding change: c.565+1728G>C on transcript NM_001032283.3 (MANE Select); 1728 bases into the intron after coding-DNA position 565, G replaced by C.
Molecular consequence: intron variant. On other transcripts: missense variant (1).
Genome position (GRCh38, 1-based): chr12:98,533,566, G>C. VCF-style: chr12-98533566-G-C. GRCh37 (hg19) VCF-style: chr12-98927344-G-C.
Other names: p.V437L:GTG>CTG; c.1309G>C, p.Val437Leu (NM_003276.2); c.565+1728G>C (NM_001307975.2, NM_001032284.3); short protein forms V437L.
Identifiers: ClinVar variation 178143 (VCV000178143.26), dbSNP rs145703021, ClinGen allele CA181543.

ClinVar aggregate classification (germline): Benign/Likely benign. Review status: criteria provided, multiple submitters, no conflicts (2 of 4 stars). 9 submissions from 9 submitters: Benign (3); Likely benign (5). 1 of the submissions does not count toward it. Last evaluated 2026-01-25.

Conditions:
Primary dilated cardiomyopathy (DCM). Also called: Dilated Cardiomyopathy. Identifiers: Orphanet 217604, MedGen C0007193, MeSH D002311, MONDO:0005021, HP:0001644. Inheritance: Various modes of inheritance.
Loeys-Dietz syndrome 2 (LDS2). Also called: TGFBR2-Related Loeys-Dietz Syndrome; Marfan syndrome, type 2 (formerly); AORTIC ANEURYSM, FAMILIAL THORACIC 3; MARFAN SYNDROME, TYPE II; Marfan Syndrome type 2; Marfan like connective tissue disorder. Identifiers: Orphanet 284973, Orphanet 558, MedGen C2674574, MONDO:0012427, OMIM 610168.
TMPO-related disorder. Also called: TMPO-related condition.

Allele frequency attached by ClinVar (database versions not stated): gnomAD exomes 0.00047; ESP Exome Variant Server 0.00154; 1000 Genomes Project 0.00160; 1000 Genomes Project 30x 0.00172; gnomAD 0.00188; TOPMed 0.00215.
gnomAD v4.1: 558 of 1,614,226 alleles (0.035%); highest among the groups gnomAD compares: African/African-American, 0.67%; 1 homozygote.

Submissions (9):

Labcorp Genetics (formerly Invitae), Labcorp
Classification: Benign for Loeys-Dietz syndrome 2. Last evaluated: 2026-01-25. Review status: criteria provided, single submitter. Criteria: Invitae Variant Classification Sherloc (09022015). Collection method: clinical testing. Allele origin: germline.

Blueprint Genetics
Classification: Likely benign. Last evaluated: 2024-11-13. Review status: criteria provided, single submitter. Criteria: ACMG Guidelines, 2015. Collection method: clinical testing. Allele origin: germline.

Women's Health and Genetics/Laboratory Corporation of America, LabCorp
Classification: Benign. Last evaluated: 2020-08-31. Review status: criteria provided, single submitter. Criteria: LabCorp Variant Classification Summary - May 2015. Collection method: clinical testing. Allele origin: germline.
Comment: Variant summary: TMPO c.1309G>C (p.Val437Leu) results in a conservative amino acid change in the encoded protein sequence. Five of five in-silico tools predict a benign effect of the variant on protein function. The variant allele was found at a frequency of 0.00047 in 251424 control chromosomes in the gnomAD database, including 1 homozygotes. The observed variant frequency is approximately 19 fold of the estimated maximal expected allele frequency for a pathogenic variant in TMPO causing Cardiomyopathy phenotype (2.5e-05), strongly suggesting that the variant is benign. To our knowledge, no occurrence of c.1309G>C in individuals affected with Cardiomyopathy and no experimental evidence demonstrating its impact on protein function have been reported. Four clinical diagnostic laboratories have submitted clinical-significance assessments for this variant to ClinVar after 2014 without evidence for independent evaluation. All laboratories classified the variant as benign/likely benign. Based on the evidence outlined above, the variant was classified as benign.

Center for Advanced Laboratory Medicine, UC San Diego Health, University of California San Diego
Classification: Likely benign for Dilated cardiomyopathy. Last evaluated: 2018-02-07. Review status: criteria provided, single submitter. Criteria: ACMG Guidelines, 2015. Collection method: clinical testing. Allele origin: germline. Affected: yes. Observed: 1 variant allele.

GeneDx
Classification: Benign. Last evaluated: 2017-10-23. Review status: criteria provided, single submitter. Criteria: GeneDx Variant Classification (06012015). Collection method: clinical testing. Allele origin: germline. Affected: yes.
Comment: This variant is considered likely benign or benign based on one or more of the following criteria: it is a conservative change, it occurs at a poorly conserved position in the protein, it is predicted to be benign by multiple in silico algorithms, and/or has population frequency not consistent with disease.

Ambry Genetics
Classification: Likely benign. Last evaluated: 2017-07-20. Review status: criteria provided, single submitter. Criteria: Ambry Variant Classification Scheme 2023. Collection method: clinical testing. Allele origin: germline.

Laboratory for Molecular Medicine, Mass General Brigham Personalized Medicine
Classification: Likely benign. Last evaluated: 2012-03-19. Review status: criteria provided, single submitter. Criteria: LMM Criteria. Collection method: clinical testing. Allele origin: germline. Observed: 4 variant alleles.
Comment: Val437Leu in exon 4 of TMPO: This variant is not expected to have clinical signi ficance because it has been identified in 0.4% (15/3738) of African American chr omosomes from a broad population by the NHLBI Exome Sequencing Project (dbSNP rs145703021). Val437Leu in exon 4 of TMPO (rs14 5703021; allele frequency = 0.4%, 15/3738) **

Breakthrough Genomics
Classification: Likely benign. Review status: criteria provided, single submitter. Criteria: ACMG Guidelines, 2015. Collection method: not provided. Allele origin: germline. Inheritance: Unknown mechanism. Affected: yes.

PreventionGenetics, part of Exact Sciences
Classification: Likely benign for TMPO-related condition. Last evaluated: 2020-11-10. Review status: no assertion criteria provided. Collection method: clinical testing. Allele origin: germline. Not counted in ClinVar's aggregate classification.
Comment: This variant is classified as likely benign based on ACMG/AMP sequence variant interpretation guidelines (Richards et al. 2015 PMID: 25741868, with internal and published modifications).